The following is an entry in ClinVar:

ClinVar aggregate classification (germline): Uncertain significance (1 of 4 stars; one submission).

Allele frequency attached by ClinVar (database versions not stated): ExAC 0.00003; gnomAD exomes 0.00003; gnomAD 0.00005 and 0.00007; TOPMed 0.00006; 1000 Genomes Project 0.00020; 1000 Genomes Project 30x 0.00031.
gnomAD v4.1: 36 of 1,610,550 alleles (0.0022%); highest among the groups gnomAD compares: African/African-American, 0.019%; no homozygotes.

Submission:

Labcorp Genetics (formerly Invitae), Labcorp
Classification: Uncertain significance. Last evaluated: 2022-03-18. Review status: criteria provided, single submitter. Criteria: Invitae Variant Classification Sherloc (09022015). Collection method: clinical testing. Allele origin: germline.
Comment: In summary, the available evidence is currently insufficient to determine the role of this variant in disease. Therefore, it has been classified as a Variant of Uncertain Significance. Algorithms developed to predict the effect of missense changes on protein structure and function are either unavailable or do not agree on the potential impact of this missense change (SIFT: "Deleterious"; PolyPhen-2: "Not Available"; Align-GVGD: "Class C0"). This variant has not been reported in the literature in individuals affected with KRT14-related conditions. This variant is present in population databases (rs556361680, gnomAD 0.01%). This sequence change replaces glycine, which is neutral and non-polar, with serine, which is neutral and polar, at codon 71 of the KRT14 protein (p.Gly71Ser).

NM_000526.5(KRT14):c.211G>A (p.Gly71Ser)

Gene: KRT14 (keratin 14; minus strand). Cytogenetic location: 17q21.2.
Variant type: single nucleotide variant.
Coding change: c.211G>A on transcript NM_000526.5 (MANE Select); coding-DNA position 211, G replaced by A.
Protein change: p.Gly71Ser; replaces glycine 71 with serine.
Molecular consequence: missense variant.
Genome position (GRCh38, 1-based): chr17:41,586,624, C>T on the plus strand (G>A on the coding strand, the complement: KRT14 is on the minus strand). VCF-style: chr17-41586624-C-T. GRCh37 (hg19) VCF-style: chr17-39742876-C-T.
Other names: short protein forms G71S.
Identifiers: ClinVar variation 1442221 (VCV001442221.6), dbSNP rs556361680, ClinGen allele CA8562780.